The following is an entry in ClinVar:

NM_015274.3(MAN2B2):c.1665G>A (p.Pro555=)

Gene: MAN2B2 (mannosidase alpha class 2B member 2; plus strand). Cytogenetic location: 4p16.1.
Variant type: single nucleotide variant.
Coding change: c.1665G>A on transcript NM_015274.3 (MANE Select); coding-DNA position 1665, G replaced by A.
Protein change: p.Pro555=; no amino-acid change (proline 555 retained).
Molecular consequence: synonymous variant.
Genome position (GRCh38, 1-based): chr4:6,605,180, G>A. VCF-style: chr4-6605180-G-A. GRCh37 (hg19) VCF-style: chr4-6606907-G-A.
Other names: c.1512G>A, p.Pro504= (NM_001292038.2).
Identifiers: ClinVar variation 2654625 (VCV002654625.24), dbSNP rs61745007, ClinGen allele CA2841017.

ClinVar aggregate classification (germline): Likely benign (1 of 4 stars; one submission).

Allele frequency attached by ClinVar (database versions not stated): ESP Exome Variant Server 0.00038; gnomAD 0.00046; TOPMed 0.00054; 1000 Genomes Project 30x 0.00062; 1000 Genomes Project 0.00080.

Submission:

CeGaT Center for Human Genetics Tuebingen
Classification: Likely benign. Last evaluated: 2022-08-01. Review status: criteria provided, single submitter. Criteria: CeGaT Center For Human Genetics Tuebingen Variant Classification Criteria Version 2. Collection method: clinical testing. Allele origin: germline. Affected: yes. Observed: 1 variant allele.
Comment: MAN2B2: BP4, BP7